The following is an entry in ClinVar:

ClinVar aggregate classification (germline): Uncertain significance (1 of 4 stars; one submission).

Conditions:
Hereditary cancer-predisposing syndrome. Also called: Neoplastic Syndromes, Hereditary; Tumor predisposition; Hereditary Cancer Syndrome; Hereditary neoplastic syndrome. Identifiers: Orphanet 140162, MedGen C0027672, MeSH D009386, MONDO:0015356.

Allele frequency attached by ClinVar (database versions not stated): gnomAD exomes below 0.00001.
gnomAD v4.1: 2 of 1,605,202 alleles (0.00012%); highest among the groups gnomAD compares: Non-Finnish European, 0.00017%; no homozygotes.

Submission:

Ambry Genetics
Classification: Uncertain significance for Hereditary cancer-predisposing syndrome. Last evaluated: 2017-07-05. Review status: criteria provided, single submitter. Criteria: Ambry Variant Classification Scheme 2023. Collection method: clinical testing. Allele origin: germline.
Comment: The p.A195T variant (also known as c.583G>A), located in coding exon 4 of the BARD1 gene, results from a G to A substitution at nucleotide position 583. The alanine at codon 195 is replaced by threonine, an amino acid with similar properties. This amino acid position is poorly conserved in available vertebrate species. In addition, this alteration is predicted to be tolerated by in silico analysis. Since supporting evidence is limited at this time, the clinical significance of this alteration remains unclear.

NM_000465.4(BARD1):c.583G>A (p.Ala195Thr)

Gene: BARD1 (BRCA1 associated RING domain 1; minus strand). Cytogenetic location: 2q35.
Variant type: single nucleotide variant.
Coding change: c.583G>A on transcript NM_000465.4 (MANE Select); coding-DNA position 583, G replaced by A.
Protein change: p.Ala195Thr; replaces alanine 195 with threonine.
Molecular consequence: missense variant. On other transcripts: non-coding transcript variant (2), intron variant (3).
Genome position (GRCh38, 1-based): chr2:214,781,291, C>T on the plus strand (G>A on the coding strand, the complement: BARD1 is on the minus strand). VCF-style: chr2-214781291-C-T. GRCh37 (hg19) VCF-style: chr2-215646015-C-T.
Other names: c.526G>A, p.Ala176Thr (NM_001282543.2); c.158+28121G>A (NM_001282548.2); c.215+15770G>A (NM_001282545.2); c.364+11006G>A (NM_001282549.2); short protein forms A195T, A176T.
Identifiers: ClinVar variation 482811 (VCV000482811.5), dbSNP rs755641562, ClinGen allele CA350456823.